The following is an entry in ClinVar:

ClinVar aggregate classification (germline): Uncertain significance. Review status: criteria provided, multiple submitters, no conflicts (2 of 4 stars). 2 submissions from 2 submitters: Uncertain significance (2). Last evaluated 2023-10-03.

Submissions (2):

Revvity Omics, Revvity
Classification: Uncertain significance. Last evaluated: 2023-10-03. Review status: criteria provided, single submitter. Criteria: ACMG Guidelines, 2015. Collection method: clinical testing. Allele origin: germline.

GeneDx
Classification: Uncertain significance. Last evaluated: 2022-04-28. Review status: criteria provided, single submitter. Criteria: GeneDx Variant Classification Process June 2021. Collection method: clinical testing. Allele origin: germline. Affected: yes.
Comment: Not observed at significant frequency in large population cohorts (gnomAD); In silico analysis supports that this missense variant has a deleterious effect on protein structure/function; Has not been previously published as pathogenic or benign to our knowledge; This variant is associated with the following publications: (PMID: 25512093, 25609763, 26100331)

NM_001376.5(DYNC1H1):c.3566T>C (p.Leu1189Pro)

Gene: DYNC1H1 (dynein cytoplasmic 1 heavy chain 1; plus strand). Cytogenetic location: 14q32.31.
Variant type: single nucleotide variant.
Coding change: c.3566T>C on transcript NM_001376.5 (MANE Select); coding-DNA position 3566, T replaced by C.
Protein change: p.Leu1189Pro; replaces leucine 1189 with proline.
Molecular consequence: missense variant.
Genome position (GRCh38, 1-based): chr14:101,997,036, T>C. VCF-style: chr14-101997036-T-C. GRCh37 (hg19) VCF-style: chr14-102463373-T-C.
Other names: short protein forms L1189P.
Identifiers: ClinVar variation 1712579 (VCV001712579.3), dbSNP rs2503720039, ClinGen allele CA391035612.